The following is an entry in ClinVar:

ClinVar aggregate classification (germline): Conflicting classifications of pathogenicity. Review status: criteria provided, conflicting classifications (1 of 4 stars). 2 submissions from 2 submitters: Likely pathogenic (1); Uncertain significance (1). Last evaluated 2017-09-08.

Conditions:
Cystic fibrosis (CF). Also called: MUCOVISCIDOSIS. Identifiers: Orphanet 586, MedGen C0010674, MONDO:0009061, OMIM 219700. Disease mechanism: loss of function.

gnomAD v4.1: 1 of 1,614,028 alleles (0.000062%); no homozygotes.

Submissions (2):

Ambry Genetics
Classification: Uncertain significance for Cystic fibrosis. Last evaluated: 2017-09-08. Review status: criteria provided, single submitter. Criteria: Ambry Variant Classification Scheme 2023. Collection method: clinical testing. Allele origin: germline.
Comment: The p.M952V variant (also known as c.2854A>G), located in coding exon 17 of the CFTR gene, results from an A to G substitution at nucleotide position 2854. The methionine at codon 952 is replaced by valine, an amino acid with highly similar properties. This amino acid position is highly conserved in available vertebrate species. In addition, this alteration is predicted to be deleterious by in silico analysis. Since supporting evidence is limited at this time, the clinical significance of this alteration remains unclear.

Kariminejad - Najmabadi Pathology & Genetics Center
Classification: Likely pathogenic for Cystic fibrosis. Review status: criteria provided, single submitter. Criteria: ACMG Guidelines, 2015. Collection method: clinical testing. Allele origin: germline. Affected: no.

NM_000492.4(CFTR):c.2854A>G (p.Met952Val)

Gene: CFTR (CF transmembrane conductance regulator; plus strand). Cytogenetic location: 7q31.2.
Variant type: single nucleotide variant.
Coding change: c.2854A>G on transcript NM_000492.4 (MANE Select); coding-DNA position 2854, A replaced by G.
Protein change: p.Met952Val; replaces methionine 952 with valine.
Molecular consequence: missense variant.
Genome position (GRCh38, 1-based): chr7:117,603,728, A>G. VCF-style: chr7-117603728-A-G. GRCh37 (hg19) VCF-style: chr7-117243782-A-G.
Other names: short protein forms M952V.
Identifiers: ClinVar variation 1796873 (VCV001796873.3), dbSNP rs2485122354, ClinGen allele CA368987312.
Genomic context (GRCh38, chr7:117,603,728, plus strand): 5'-TTCAGAGGTCTACCACTGGTGCATACTCTAATCACAGTGTCGAAAATTTTACACCACAAA[A>G]TGTTACATTCTGTTCTTCAAGCACCTATGTCAACCCTCAACACGTTGAAAGCAGGTACTT-3'
Protein context (NP_000483.3, residues 942-962): ITVSKILHHK[Met952Val]LHSVLQAPMS